The following is an entry in ClinVar:

ClinVar aggregate classification (germline): Uncertain significance. Review status: criteria provided, multiple submitters, no conflicts (2 of 4 stars). 2 submissions from 2 submitters: Uncertain significance (2). Last evaluated 2025-11-11.

Conditions:
Primary dilated cardiomyopathy (DCM). Also called: Dilated Cardiomyopathy. Identifiers: Orphanet 217604, MedGen C0007193, MeSH D002311, MONDO:0005021, HP:0001644. Inheritance: Various modes of inheritance.

Submissions (2):

Ambry Genetics
Classification: Uncertain significance. Last evaluated: 2025-11-11. Review status: criteria provided, single submitter. Criteria: Ambry Variant Classification Scheme 2023. Collection method: clinical testing. Allele origin: germline.

Labcorp Genetics (formerly Invitae), Labcorp
Classification: Uncertain significance for Primary dilated cardiomyopathy. Last evaluated: 2023-04-05. Review status: criteria provided, single submitter. Criteria: Invitae Variant Classification Sherloc (09022015). Collection method: clinical testing. Allele origin: germline.
Comment: In summary, the available evidence is currently insufficient to determine the role of this variant in disease. Therefore, it has been classified as a Variant of Uncertain Significance. An algorithm developed to predict the effect of missense changes on protein structure and function (PolyPhen-2) suggests that this variant is likely to be disruptive. This sequence change replaces aspartic acid, which is acidic and polar, with histidine, which is basic and polar, at codon 166 of the NEBL protein (p.Asp166His). This variant is not present in population databases (gnomAD no frequency). This variant has not been reported in the literature in individuals affected with NEBL-related conditions. ClinVar contains an entry for this variant (Variation ID: 240652).

NM_006393.3(NEBL):c.496G>C (p.Asp166His)

Gene: NEBL (nebulette; minus strand). Cytogenetic location: 10p12.31.
Variant type: single nucleotide variant.
Coding change: c.496G>C on transcript NM_006393.3 (MANE Select); coding-DNA position 496, G replaced by C.
Protein change: p.Asp166His; replaces aspartic acid 166 with histidine.
Molecular consequence: missense variant. On other transcripts: intron variant (9).
Genome position (GRCh38, 1-based): chr10:20,869,826, C>G on the plus strand (G>C on the coding strand, the complement: NEBL is on the minus strand). VCF-style: chr10-20869826-C-G. GRCh37 (hg19) VCF-style: chr10-21158755-C-G.
Other names: c.250-56886G>C (NM_001377326.1, NM_001377327.1, NM_001377328.1); c.358-56886G>C (NM_213569.2, NM_001173484.2, NM_001377322.1); c.301-56886G>C (NM_001377324.1); c.292-56886G>C (NM_001377325.1); c.310-56886G>C (NM_001377323.1); short protein forms D166H.
Identifiers: ClinVar variation 240652 (VCV000240652.10), dbSNP rs780036701, ClinGen allele CA10582715.
Genomic context (GRCh38, chr10:20,869,826, plus strand): 5'-TTGCCATCTTGATGTCTGGTCGGTCAAGTTCTGCACTGTACGTGTGGGTGTCCTGCACGT[C>G]TTTCCTATAAGAAATCTGATCAGAGACAGTTTTGGTTAAAAAATAAATAAATTAGTAATT-3'
Protein context (NP_006384.1, residues 156-176): KHQSNISYRK[Asp166His]VQDTHTYSAE